The following is an entry in ClinVar:

ClinVar aggregate classification (germline): Uncertain significance (1 of 4 stars; one submission).

Conditions:
Obesity, hyperphagia, and developmental delay (OBHD). Identifiers: Orphanet 99704, MedGen C3151303, MONDO:0013483, OMIM 613886.
Developmental and epileptic encephalopathy, 58. Also called: EPILEPTIC ENCEPHALOPATHY, EARLY INFANTILE, 58. Identifiers: MedGen C4693367, MONDO:0033367, OMIM 617830.

gnomAD v4.1: 1 of 1,614,140 alleles (0.000062%); highest among the groups gnomAD compares: Non-Finnish European, 0.000085%; no homozygotes.

Submission:

Juno Genomics, Hangzhou Juno Genomics, Inc
Classification: Uncertain significance for Developmental and epileptic encephalopathy, 58; Obesity, hyperphagia, and developmental delay. Review status: criteria provided, single submitter. Criteria: ACMG Guidelines, 2015. Collection method: clinical testing. Allele origin: germline.
Comment: Missense variant in a gene that has a low rate of benign missense variation.;Multiple lines of computational evidence support a deleterious effect on the gene or gene product.;Absent from controls (or at extremely low frequency if recessive) in Genome Aggregation Database.

NM_006180.6(NTRK2):c.1813G>A (p.Ala605Thr)

Gene: NTRK2 (neurotrophic receptor tyrosine kinase 2; plus strand). Cytogenetic location: 9q21.33.
Variant type: single nucleotide variant.
Coding change: c.1813G>A on transcript NM_006180.6 (MANE Select); coding-DNA position 1813, G replaced by A.
Protein change: p.Ala605Thr; replaces alanine 605 with threonine.
Molecular consequence: missense variant.
Genome position (GRCh38, 1-based): chr9:84,948,510, G>A. VCF-style: chr9-84948510-G-A. GRCh37 (hg19) VCF-style: chr9-87563425-G-A.
Other names: c.1765G>A, p.Ala589Thr (NM_001018064.3, NM_001369532.1, NM_001369533.1); c.1729G>A, p.Ala577Thr (NM_001369534.1); c.1297G>A, p.Ala433Thr (NM_001369535.1); c.1345G>A, p.Ala449Thr (NM_001369536.1); short protein forms A577T, A449T, A433T, A605T, A589T.
Identifiers: ClinVar variation 5007469 (VCV005007469.2).